The following is an entry in ClinVar:

NM_001654.5(ARAF):c.1199G>A (p.Arg400His)

Gene: ARAF (A-Raf proto-oncogene, serine/threonine kinase; plus strand). Cytogenetic location: Xp11.3.
Variant type: single nucleotide variant.
Coding change: c.1199G>A on transcript NM_001654.5 (MANE Select); coding-DNA position 1199, G replaced by A.
Protein change: p.Arg400His; replaces arginine 400 with histidine.
Molecular consequence: missense variant.
Genome position (GRCh38, 1-based): chrX:47,568,840, G>A. VCF-style: chrX-47568840-G-A. GRCh37 (hg19) VCF-style: chrX-47428239-G-A.
Other names: c.1208G>A, p.Arg403His (NM_001256196.2); short protein forms R400H, R403H.
Identifiers: ClinVar variation 4279886 (VCV004279886.1).

ClinVar aggregate classification (germline): Uncertain significance (1 of 4 stars; one submission).

Conditions:
Lymphatic anomaly.

gnomAD v4.1: 13 of 1,208,538 alleles (0.0011%); highest among the groups gnomAD compares: African/African-American, 0.012%; no homozygotes.

Submission:

Clinical Genomics Laboratory, Washington University in St. Louis
Classification: Uncertain significance for Lymphatic anomaly. Last evaluated: 2025-08-18. Review status: criteria provided, single submitter. Criteria: ACMG Guidelines, 2015. Collection method: clinical testing. Allele origin: germline.
Comment: An ARAF c.1199G>A (p.Arg400His) variant was identified at a heterozygous allelic fraction of 49.9%, a frequency which may be consistent with it being of germline origin. The ARAF c.1199G>A (p.Arg400His) variant has been reported in the literature in one control individual. In this same study, another variant in the same codon, c.1198C>T (p.Arg400Cys), was reported in one individual with non-progressive congenital ataxia but was not considered to be pathogenic. (Zanni G et. al., PMID: 30741391) . In addition, this variant is observed on 13/1,208,538 alleles in the general population, including six hemizygous individuals (gnomAD v4.1.0). Computational predictors are uncertain as to the impact of this variant on ARAF function. Due to limited information, and based on ACMG/AMP guidelines for variant interpretation (Richards S et al., PMID: 25741868), the clinical significance of this variant is uncertain at this time.